The following is an entry in ClinVar:

NM_000321.3(RB1):c.2241G>C (p.Glu747Asp)

Gene: RB1 (RB transcriptional corepressor 1; plus strand). Cytogenetic location: 13q14.2.
Variant type: single nucleotide variant.
Coding change: c.2241G>C on transcript NM_000321.3 (MANE Select); coding-DNA position 2241, G replaced by C.
Protein change: p.Glu747Asp; replaces glutamic acid 747 with aspartic acid.
Molecular consequence: missense variant.
Genome position (GRCh38, 1-based): chr13:48,465,027, G>C. VCF-style: chr13-48465027-G-C. GRCh37 (hg19) VCF-style: chr13-49039163-G-C.
Other names: c.2241G>C, p.Glu747Asp (NM_001407165.1); short protein forms E747D.
Identifiers: ClinVar variation 1718844 (VCV001718844.5), dbSNP rs750057315, ClinGen allele CA388167544.

ClinVar aggregate classification (germline): Uncertain significance (1 of 4 stars; one submission).

Conditions:
Retinoblastoma (RB1). Also called: RETINOBLASTOMA, SOMATIC. Identifiers: Orphanet 790, MedGen C0035335, MeSH D012175, MONDO:0008380, OMIM 180200, HP:0009919. Disease mechanism: loss of function. Inheritance: Both sporadic and heritable forms are tested..

Submission:

Labcorp Genetics (formerly Invitae), Labcorp
Classification: Uncertain significance for Retinoblastoma. Last evaluated: 2022-11-10. Review status: criteria provided, single submitter. Criteria: Invitae Variant Classification Sherloc (09022015). Collection method: clinical testing. Allele origin: germline.
Comment: This sequence change replaces glutamic acid, which is acidic and polar, with aspartic acid, which is acidic and polar, at codon 747 of the RB1 protein (p.Glu747Asp). This variant is not present in population databases (gnomAD no frequency). This variant has not been reported in the literature in individuals affected with RB1-related conditions. Advanced modeling of protein sequence and biophysical properties (such as structural, functional, and spatial information, amino acid conservation, physicochemical variation, residue mobility, and thermodynamic stability) performed at Invitae indicates that this missense variant is not expected to disrupt RB1 protein function. In summary, the available evidence is currently insufficient to determine the role of this variant in disease. Therefore, it has been classified as a Variant of Uncertain Significance.